The following is an entry in ClinVar:

NM_000271.5(NPC1):c.3519A>G (p.Arg1173=)

Gene: NPC1 (NPC intracellular cholesterol transporter 1; minus strand). Cytogenetic location: 18q11.2.
Variant type: single nucleotide variant.
Coding change: c.3519A>G on transcript NM_000271.5 (MANE Select); coding-DNA position 3519, A replaced by G.
Protein change: p.Arg1173=; no amino-acid change (arginine 1173 retained).
Molecular consequence: synonymous variant.
Genome position (GRCh38, 1-based): chr18:23,534,518, T>C on the plus strand (A>G on the coding strand, the complement: NPC1 is on the minus strand). VCF-style: chr18-23534518-T-C. GRCh37 (hg19) VCF-style: chr18-21114482-T-C.
Identifiers: ClinVar variation 1077327 (VCV001077327.12), dbSNP rs775542483, ClinGen allele CA8912744.

ClinVar aggregate classification (germline): Likely benign. Review status: criteria provided, multiple submitters, no conflicts (2 of 4 stars). 3 submissions from 3 submitters: Likely benign (3). Last evaluated 2026-01-08.

Conditions:
NPC1-related disorder. Also called: NPC1-related condition.
Inborn genetic diseases. Identifiers: MedGen C0950123, MeSH D030342.
Niemann-Pick disease, type C1. Also called: NIEMANN-PICK DISEASE, VARIANT TYPE C1; NEUROVISCERAL STORAGE DISEASE WITH VERTICAL SUPRANUCLEAR OPHTHALMOPLEGIA; NIEMANN-PICK DISEASE WITH CHOLESTEROL ESTERIFICATION BLOCK; NIEMANN-PICK DISEASE WITHOUT SPHINGOMYELINASE DEFICIENCY; NIEMANN-PICK DISEASE, CHRONIC NEURONOPATHIC FORM. Identifiers: Orphanet 646, MedGen C3179455, MONDO:0009757, OMIM 257220.

Allele frequency attached by ClinVar (database versions not stated): gnomAD 0.00001; gnomAD exomes 0.00005; ExAC 0.00008.
gnomAD v4.1: 68 of 1,614,014 alleles (0.0042%); highest among the groups gnomAD compares: South Asian, 0.074%; 2 homozygotes.

Submissions (3):

PreventionGenetics, part of Exact Sciences
Classification: Likely benign for NPC1-related condition. Last evaluated: 2026-01-08. Review status: criteria provided, single submitter. Criteria: ACMG Guidelines, 2015. Collection method: clinical testing. Allele origin: germline.
Comment: This variant is classified as likely benign based on ACMG/AMP sequence variant interpretation guidelines (Richards et al. 2015 PMID: 25741868, with internal and published modifications).

Labcorp Genetics (formerly Invitae), Labcorp
Classification: Likely benign for Niemann-Pick disease, type C1. Last evaluated: 2024-02-09. Review status: criteria provided, single submitter. Criteria: Invitae Variant Classification Sherloc (09022015). Collection method: clinical testing. Allele origin: germline.

Ambry Genetics
Classification: Likely benign for Inborn genetic diseases. Last evaluated: 2022-07-27. Review status: criteria provided, single submitter. Criteria: Ambry Variant Classification Scheme 2023. Collection method: clinical testing. Allele origin: germline.